The following is an entry in ClinVar:

NM_000535.7(PMS2):c.1286_1306del (p.Thr429_His435del)

Gene: PMS2 (PMS1 homolog 2, mismatch repair system component; minus strand). Cytogenetic location: 7p22.1.
Variant type: Deletion.
Coding change: c.1286_1306del on transcript NM_000535.7 (MANE Select); coding-DNA positions 1286 to 1306, 21 bases deleted (CAACAGAGAACAAGCCTCACA).
Protein change: p.Thr429_His435del.
Molecular consequence: inframe deletion. On other transcripts: non-coding transcript variant (1), intron variant (1), inframe indel (1).
Genome position (GRCh38, 1-based): chr7:5,987,459-5,987,479, TGTGAGGCTTGTTCTCTGTTG deleted on the plus strand (CAACAGAGAACAAGCCTCACA on the coding strand, the reverse complement: PMS2 is on the minus strand); deleting any 21 consecutive bases within chr7:5,987,459-5,987,484 gives the same sequence; the c. name uses the placement nearest the transcript's 3' end. VCF-style (leftmost placement, unchanged base first): chr7-5987458-CTGTGAGGCTTGTTCTCTGTTG-C. GRCh37 (hg19) VCF-style: chr7-6027089-CTGTGAGGCTTGTTCTCTGTTG-C.
Other names: c.881_901del, p.Thr294_His300del (NM_001322003.2, NM_001322004.2, NM_001322005.2 and 16 more transcripts); c.1130_1150del, p.Thr377_His383del (NM_001322006.2, NM_001406870.1); c.968_988del, p.Thr323_His329del (NM_001322007.2, NM_001322008.2, NM_001406876.1 and 2 more transcripts); c.725_745del, p.Thr242_His248del (NM_001322010.2, NM_001406906.1, NM_001406907.1); c.353_373del, p.Thr118_His124del (NM_001322011.2, NM_001322012.2); c.713_733del, p.Thr238_His244del (NM_001322013.2, NM_001406909.1); c.1286_1306del, p.Thr429_His435del (NM_001322014.2, NM_001406871.1, NM_001406872.1); c.977_997del, p.Thr326_His332del (NM_001322015.2, NM_001406875.1, NM_001406877.1 and 5 more transcripts); and 14 more.
Identifiers: ClinVar variation 3890958 (VCV003890958.1).

ClinVar aggregate classification (germline): Uncertain significance (1 of 4 stars; one submission).

Conditions:
Hereditary cancer-predisposing syndrome. Also called: Tumor predisposition; Neoplastic Syndromes, Hereditary; Hereditary Cancer Syndrome; Hereditary neoplastic syndrome. Identifiers: Orphanet 140162, MedGen C0027672, MeSH D009386, MONDO:0015356.

Submission:

Ambry Genetics
Classification: Uncertain significance for Hereditary cancer-predisposing syndrome. Last evaluated: 2025-03-05. Review status: criteria provided, single submitter. Criteria: Ambry Variant Classification Scheme 2023. Collection method: clinical testing. Allele origin: germline.
Comment: The c.1286_1306del21 variant (also known as p.T429_H435del) is located in coding exon 11 of the PMS2 gene. This variant results from an in-frame CAACAGAGAACAAGCCTCACA deletion at nucleotide positions 1286 to 1306. This results in the in-frame deletion of seven residues at codons 429-435. This amino acid region is not well conserved in available vertebrate species. In addition, this alteration is predicted to be deleterious by in silico analysis (Choi Y et al. PLoS ONE. 2012; 7(10):e46688). Based on the available evidence, the clinical significance of this variant remains unclear.